The following is an entry in ClinVar:

NM_015915.5(ATL1):c.574C>A (p.Leu192Ile)

Gene: ATL1 (atlastin GTPase 1; plus strand). Cytogenetic location: 14q22.1.
Variant type: single nucleotide variant.
Coding change: c.574C>A on transcript NM_015915.5 (MANE Select); coding-DNA position 574, C replaced by A.
Protein change: p.Leu192Ile; replaces leucine 192 with isoleucine.
Molecular consequence: missense variant.
Genome position (GRCh38, 1-based): chr14:50,595,576, C>A. VCF-style: chr14-50595576-C-A. GRCh37 (hg19) VCF-style: chr14-51062294-C-A.
Other names: c.574C>A, p.Leu192Ile (NM_001127713.1, NM_181598.4); short protein forms L192I.
Identifiers: ClinVar variation 2842309 (VCV002842309.4), dbSNP rs2039208042, ClinGen allele CA389668806.
Genomic context (GRCh38, chr14:50,595,576, plus strand): 5'-AGTTCTCTCTCTCTCTCTCTCTCTCTCTGTGTATGTGTGTGTGTGTAATTTTTTTTCTAG[C>A]TTTTCACTGAGTATGGCAGACTGGCAATGGAGGAAACATTCCTGAAGCCATTTCAGGTGA-3'
Protein context (NP_056999.2, residues 182-202): VQEDDLQHLQ[Leu192Ile]FTEYGRLAME

ClinVar aggregate classification (germline): Conflicting classifications of pathogenicity. Review status: criteria provided, conflicting classifications (1 of 4 stars). 2 submissions from 2 submitters: Likely pathogenic (1); Uncertain significance (1). Last evaluated 2023-09-07.

Conditions:
ATL1-related disorder. Also called: ATL1-related condition.
Hereditary spastic paraplegia 3A (SPG3A). Also called: Spastic paraplegia 3A, autosomal dominant; SPASTIC PARAPLEGIA 3, AUTOSOMAL DOMINANT; FAMILIAL SPASTIC PARAPLEGIA, AUTOSOMAL DOMINANT, 1; SPG3; STRUMPELL DISEASE; Spastic Paraplegia 3A. Identifiers: Orphanet 100984, MedGen C2931355, MONDO:0008437, OMIM 182600.

Submissions (2):

Blueprint Genetics
Classification: Likely pathogenic for ATL1-related disorders. Last evaluated: 2023-09-07. Review status: criteria provided, single submitter. Criteria: ACMG Guidelines, 2015. Collection method: clinical testing. Allele origin: de novo. Affected: yes. Observed: 1 variant allele.

Labcorp Genetics (formerly Invitae), Labcorp
Classification: Uncertain significance for Hereditary spastic paraplegia 3A. Last evaluated: 2023-06-04. Review status: criteria provided, single submitter. Criteria: Invitae Variant Classification Sherloc (09022015). Collection method: clinical testing. Allele origin: germline.
Comment: This variant is not present in population databases (gnomAD no frequency). This sequence change replaces leucine, which is neutral and non-polar, with isoleucine, which is neutral and non-polar, at codon 192 of the ATL1 protein (p.Leu192Ile). In summary, the available evidence is currently insufficient to determine the role of this variant in disease. Therefore, it has been classified as a Variant of Uncertain Significance. This variant disrupts the p.Leu192 amino acid residue in ATL1. Other variant(s) that disrupt this residue have been observed in individuals with ATL1-related conditions (PMID: 32860008, 34782662), which suggests that this may be a clinically significant amino acid residue. An algorithm developed to predict the effect of missense changes on protein structure and function (PolyPhen-2) suggests that this variant is likely to be disruptive. This variant has not been reported in the literature in individuals affected with ATL1-related conditions.

Literature cited by the submitters: PubMed 32860008 (cited by Labcorp Genetics (formerly Invitae), Labcorp); PubMed 34782662 (cited by Labcorp Genetics (formerly Invitae), Labcorp).